The following is an entry in ClinVar:

ClinVar aggregate classification (germline): Uncertain significance (1 of 4 stars; one submission).

Conditions:
Long QT syndrome 10 (LQT10). Identifiers: Orphanet 101016, Orphanet 768, MedGen C2678484, MONDO:0012737, OMIM 611819.

Allele frequency attached by ClinVar (database versions not stated): ExAC 0.00001; gnomAD 0.00001; gnomAD exomes 0.00001.
gnomAD v4.1: 8 of 1,613,906 alleles (0.0005%); highest among the groups gnomAD compares: African/African-American, 0.004%; no homozygotes.

Submission:

Victorian Clinical Genetics Services, Murdoch Childrens Research Institute
Classification: Uncertain significance for Long QT syndrome 10. Last evaluated: 2020-06-11. Review status: criteria provided, single submitter. Criteria: ACMG Guidelines, 2015. Collection method: clinical testing. Allele origin: germline. Inheritance: Autosomal dominant inheritance.
Comment: Based on the classification scheme VCGS_Germline_v1.1.1, this variant is classified as VUS-3B. Following criteria are met: 0105 - The mechanism of disease for this gene is not clearly established. Very few disease-causing variants have been reported for this gene. (N) 0107 - This gene is known to be associated with autosomal dominant disease. (N) 0200 - Variant is predicted to result in a missense amino acid change from threonine to methionine, exon 3. (N) 0251 - Variant is heterozygous. (N) 0302 - Variant is present in gnomAD <0.001 for a dominant condition 0.0000119 (3 het, 0 hom). (P) 0502 - Missense variant with conflicting in silico predictions and/or uninformative conservation. Low conservation, moderate amino acid change. (N) 0600 - Variant is located in an annotated domain or motif. Immunoglobulin-like domain (DECIPHER, UniProt, NCBI_Conserved domains, RCSB-PDB). (N) 0708 - Comparable variants have conflicting previous evidence for pathogenicity. Alternative variant at same amino acid, p.(Thr126Ala), has been reported once in ClinVar as a VUS, no information provided. (N) 0807 - Variant has not previously been reported in a clinical context. However, this variant has been previously observed once in our Long QT syndrome patient cohort. (N) 0905 - No segregation evidence has been identified for this variant. (N) 1007 - No published functional evidence has been identified for this variant. (N) 1208 - Segregation information for this variant is not currently available. (N) Legend: (P) - Pathogenic, (N) - Neutral, (B) - Benign

NM_174934.4(SCN4B):c.377C>T (p.Thr126Met)

Genes: SCN4B (sodium voltage-gated channel beta subunit 4; minus strand), LOC126861356 (BRD4-independent group 4 enhancer GRCh37_chr11:118014519-118015718; plus strand). Cytogenetic location: 11q23.3.
Variant type: single nucleotide variant.
Coding change: c.377C>T on transcript NM_174934.4 (MANE Select); coding-DNA position 377, C replaced by T.
Protein change: p.Thr126Met; replaces threonine 126 with methionine.
Molecular consequence: missense variant. On other transcripts: intron variant (1).
Genome position (GRCh38, 1-based): chr11:118,143,919, G>A on the plus strand (C>T on the coding strand, the complement: SCN4B is on the minus strand). VCF-style: chr11-118143919-G-A. GRCh37 (hg19) VCF-style: chr11-118014634-G-A.
Other names: c.47C>T, p.Thr16Met (NM_001142349.2); c.62-2583C>T (NM_001142348.2); short protein forms T126M, T16M.
Identifiers: ClinVar variation 1804895 (VCV001804895.1), dbSNP rs766890974, ClinGen allele CA6300227.
Genomic context (GRCh38, chr11:118,143,919, plus strand): 5'-GTGGCGTGGTGCTGGAGATTATTCTCCTTGGGGTTCTTCACATGGCAGGTGTATTTGCCC[G>A]TGTCGCTGAACTCCAGGTCCCTCAGCACAATGGAAATGTTGTTCATCTTCTCCTTAGTAG-3'
Protein context (NP_777594.1, residues 116-136): IVLRDLEFSD[Thr126Met]GKYTCHVKNP